The following is an entry in ClinVar:

ClinVar aggregate classification (germline): Likely pathogenic (1 of 4 stars; one submission).

Conditions:
Coffin-Siris syndrome 1 (CSS1). Also called: ARID1B-Related Coffin-Siris Syndrome; Mental retardation, autosomal dominant 12. Identifiers: Orphanet 1465, MedGen C3281201, MONDO:0007617, OMIM 135900. Disease mechanism: gain of function.

Submission:

Institute of Human Genetics, University of Leipzig Medical Center
Classification: Likely pathogenic for Coffin-Siris syndrome 1. Last evaluated: 2025-08-27. Review status: criteria provided, single submitter. Criteria: ACMG Guidelines, 2015. Collection method: clinical testing. Allele origin: unknown. Inheritance: Autosomal dominant inheritance. Affected: yes.
Comment: Criteria applied: PM1,PM2,PP2,PP3

NM_003108.4(SOX11):c.187G>C (p.Glu63Gln)

Gene: SOX11 (SRY-box transcription factor 11; plus strand). Cytogenetic location: 2p25.2.
Variant type: single nucleotide variant.
Coding change: c.187G>C on transcript NM_003108.4 (MANE Select); coding-DNA position 187, G replaced by C.
Protein change: p.Glu63Gln; replaces glutamic acid 63 with glutamine.
Molecular consequence: missense variant.
Genome position (GRCh38, 1-based): chr2:5,692,908, G>C. VCF-style: chr2-5692908-G-C. GRCh37 (hg19) VCF-style: chr2-5833040-G-C.
Other names: short protein forms E63Q.
Identifiers: ClinVar variation 4279016 (VCV004279016.1).